The following is an entry in ClinVar:

NM_001370466.1(NOD2):c.986C>T (p.Pro329Leu)

Gene: NOD2 (nucleotide binding oligomerization domain containing 2; plus strand). Cytogenetic location: 16q12.1.
Variant type: single nucleotide variant.
Coding change: c.986C>T on transcript NM_001370466.1 (MANE Select); coding-DNA position 986, C replaced by T.
Protein change: p.Pro329Leu; replaces proline 329 with leucine.
Molecular consequence: missense variant. On other transcripts: non-coding transcript variant (1).
Genome position (GRCh38, 1-based): chr16:50,710,978, C>T. VCF-style: chr16-50710978-C-T. GRCh37 (hg19) VCF-style: chr16-50744889-C-T.
Other names: c.986C>T, p.Pro329Leu (NM_001293557.2); c.1067C>T, p.Pro356Leu (NM_022162.3); short protein forms P329L, P356L.
Identifiers: ClinVar variation 1463311 (VCV001463311.8), dbSNP rs201107567, ClinGen allele CA8051455.
Genomic context (GRCh38, chr16:50,710,978, plus strand): 5'-TGCAGTGCATGGCCAAACCACTCTCTGTGCGGACTCTACTCTTTGAGCACTGCTGTTGGC[C>T]TGATGTTGGTCAAGAAGACATCTTCCAGTTACTCCTTGACCACCCTGACCGTGTCCTGTT-3'
Protein context (NP_001357395.1, residues 319-339): RTLLFEHCCW[Pro329Leu]DVGQEDIFQL

ClinVar aggregate classification (germline): Uncertain significance (1 of 4 stars; one submission).

Conditions:
Regional enteritis. Also called: Enteritis, Granulomatous. Identifiers: MedGen C0678202, MeSH D003424.
Blau syndrome (BLAUS). Also called: GRANULOMATOSIS, FAMILIAL JUVENILE SYSTEMIC; GRANULOMATOSIS, FAMILIAL, BLAU TYPE; GRANULOMATOUS INFLAMMATORY ARTHRITIS, DERMATITIS, AND UVEITIS, FAMILIAL; ARTHROCUTANEOUVEAL GRANULOMATOSIS; JABS SYNDROME. Identifiers: Orphanet 90340, MedGen C5201146, MONDO:0008523, OMIM 186580.

Allele frequency attached by ClinVar (database versions not stated): ExAC 0.00001; gnomAD 0.00001 and 0.00002; gnomAD exomes 0.00001; TOPMed 0.00001; 1000 Genomes Project 30x 0.00016; 1000 Genomes Project 0.00020.
gnomAD v4.1: 16 of 1,614,236 alleles (0.00099%); highest among the groups gnomAD compares: Middle Eastern, 0.016%; no homozygotes.

Submission:

Labcorp Genetics (formerly Invitae), Labcorp
Classification: Uncertain significance for Regional enteritis; Blau syndrome. Last evaluated: 2025-02-04. Review status: criteria provided, single submitter. Criteria: Invitae Variant Classification Sherloc (09022015). Collection method: clinical testing. Allele origin: germline.
Comment: This sequence change replaces proline, which is neutral and non-polar, with leucine, which is neutral and non-polar, at codon 356 of the NOD2 protein (p.Pro356Leu). This variant is present in population databases (rs201107567, gnomAD 0.004%). This variant has not been reported in the literature in individuals affected with NOD2-related conditions. ClinVar contains an entry for this variant (Variation ID: 1463311). Invitae Evidence Modeling of protein sequence and biophysical properties (such as structural, functional, and spatial information, amino acid conservation, physicochemical variation, residue mobility, and thermodynamic stability) has been performed for this missense variant. However, the output from this modeling did not meet the statistical confidence thresholds required to predict the impact of this variant on NOD2 protein function. In summary, the available evidence is currently insufficient to determine the role of this variant in disease. Therefore, it has been classified as a Variant of Uncertain Significance.